The following is an entry in ClinVar:

ClinVar aggregate classification (germline): Benign (1 of 4 stars; one submission).

Submission:

ISCA site 4
Classification: Benign. Last evaluated: 2011-08-12. Review status: criteria provided, single submitter. Criteria: Kaminsky et al. (Genet Med. 2011). Collection method: clinical testing. Allele origin: unknown. Affected: yes. Observed: 1 variant allele.
Comment: Copy number variation identified through the course of routine clinical cytogenomic testing in postnatal populations. Clinical assertions have been curated as described in Kaminsky et al. 2011.

GRCh38/hg38 21q22.3(chr21:46598937-46670405)x3

Genes: PRMT2 (protein arginine methyltransferase 2; plus strand), S100B (S100 calcium binding protein B; minus strand), LOC130066885 (ATAC-STARR-seq lymphoblastoid silent region 13424; plus strand), LOC130066886 (ATAC-STARR-seq lymphoblastoid silent region 13425; plus strand), LOC130066887 (ATAC-STARR-seq lymphoblastoid active region 18607; plus strand). Cytogenetic location: 21q22.3.
Variant type: copy number gain.
Change: copy number 3 (three copies instead of two) of chr21:46,598,937-46,670,405 (71.5 kb, GRCh38 coordinates, 1-based), cytogenetic band 21q22.3.
Identifiers: ClinVar variation 59761 (VCV000059761.1).